The following is an entry in ClinVar:

NM_024656.4(COLGALT1):c.415C>T (p.Arg139Cys)

Gene: COLGALT1 (collagen beta(1-O)galactosyltransferase 1; plus strand). Cytogenetic location: 19p13.11.
Variant type: single nucleotide variant.
Coding change: c.415C>T on transcript NM_024656.4 (MANE Select); coding-DNA position 415, C replaced by T.
Protein change: p.Arg139Cys; replaces arginine 139 with cysteine.
Molecular consequence: missense variant.
Genome position (GRCh38, 1-based): chr19:17,560,391, C>T. VCF-style: chr19-17560391-C-T. GRCh37 (hg19) VCF-style: chr19-17671200-C-T.
Other names: short protein forms R139C.
Identifiers: ClinVar variation 2672750 (VCV002672750.23), dbSNP rs143978619, ClinGen allele CA9296894.

ClinVar aggregate classification (germline): Uncertain significance (1 of 4 stars; one submission).

Allele frequency attached by ClinVar (database versions not stated): ExAC 0.00006; TOPMed 0.00008; gnomAD 0.00009; gnomAD exomes 0.00013; ESP Exome Variant Server 0.00015.
gnomAD v4.1: 215 of 1,614,040 alleles (0.013%); highest among the groups gnomAD compares: Non-Finnish European, 0.016%; 1 homozygote.

Submission:

CeGaT Center for Human Genetics Tuebingen
Classification: Uncertain significance. Last evaluated: 2023-11-01. Review status: criteria provided, single submitter. Criteria: CeGaT Center For Human Genetics Tuebingen Variant Classification Criteria Version 2. Collection method: clinical testing. Allele origin: germline. Affected: yes. Observed: 1 variant allele.
Comment: COLGALT1: PM2, PP3